The following is an entry in ClinVar:

ClinVar aggregate classification (germline): Uncertain significance (1 of 4 stars; one submission).

Submission:

Labcorp Genetics (formerly Invitae), Labcorp
Classification: Uncertain significance. Last evaluated: 2025-01-29. Review status: criteria provided, single submitter. Criteria: Invitae Variant Classification Sherloc (09022015). Collection method: clinical testing. Allele origin: germline.
Comment: This sequence change creates a premature translational stop signal (p.Cys209Hisfs*10) in the PITRM1 gene. It is expected to result in an absent or disrupted protein product. However, the current clinical and genetic evidence is not sufficient to establish whether loss-of-function variants in PITRM1 cause disease. This variant is present in population databases (rs753822408, gnomAD 0.004%). This variant has not been reported in the literature in individuals affected with PITRM1-related conditions. In summary, the available evidence is currently insufficient to determine the role of this variant in disease. Therefore, it has been classified as a Variant of Uncertain Significance.

NM_014889.4(PITRM1):c.721_722del (p.Cys241fs)

Gene: PITRM1 (pitrilysin metallopeptidase 1; minus strand). Cytogenetic location: 10p15.2.
Variant type: Microsatellite.
Coding change: c.721_722del on transcript NM_014889.4 (MANE Select); coding-DNA positions 721 to 722, 2 bases deleted (TG; older notation c.721_722delTG).
Protein change: p.Cys241fs; shifts the reading frame from cysteine 241.
Molecular consequence: frameshift variant. On other transcripts: non-coding transcript variant (4), 5 prime UTR variant (1).
Genome position (GRCh38, 1-based): chr10:3,163,794-3,163,795, CA deleted on the plus strand (TG on the coding strand, the reverse complement: PITRM1 is on the minus strand); deleting any 2 consecutive bases within chr10:3,163,794-3,163,797 gives the same sequence; the c. name uses the placement nearest the transcript's 3' end. VCF-style (leftmost placement, unchanged base first): chr10-3163793-GCA-G. GRCh37 (hg19) VCF-style: chr10-3205985-GCA-G.
Other names: c.697_698del, p.Cys233fs (NM_001347729.1, NM_001347730.1); c.721_722del, p.Cys241fs (NM_001242307.2, NM_001347725.2); c.625_626del, p.Cys209fs (NM_001242309.1); c.106_107del, p.Cys36fs (NM_001347726.2, NM_001347727.2); c.-582TG[1] (NM_001347728.2); short protein forms C209fs, C241fs, C233fs, C36fs.
Identifiers: ClinVar variation 4778077 (VCV004778077.1).